The following is an entry in ClinVar:

NM_001105206.3(LAMA4):c.4393G>T (p.Ala1465Ser)

Gene: LAMA4 (laminin subunit alpha 4; minus strand). Cytogenetic location: 6q21.
Variant type: single nucleotide variant.
Coding change: c.4393G>T on transcript NM_001105206.3 (MANE Select); coding-DNA position 4393, G replaced by T.
Protein change: p.Ala1465Ser; replaces alanine 1465 with serine.
Molecular consequence: missense variant.
Genome position (GRCh38, 1-based): chr6:112,122,096, C>A on the plus strand (G>T on the coding strand, the complement: LAMA4 is on the minus strand). VCF-style: chr6-112122096-C-A. GRCh37 (hg19) VCF-style: chr6-112443299-C-A.
Other names: c.4372G>T, p.Ala1458Ser (NM_001105207.3, NM_002290.5); short protein forms A1458S, A1465S.
Identifiers: ClinVar variation 1516745 (VCV001516745.8), dbSNP rs2114600611, ClinGen allele CA365371059.
Genomic context (GRCh38, chr6:112,122,096, plus strand): 5'-AGTGTTCAAACTCTTGGCGGCTGTTGGCTGTTCCTCCATATTGATAGGCGTGCTCTATTG[C>A]TCTAGGGCTGTTGGAAAGGTGGCAATGAGAGTTTCTTGGAGTATTCCGCTCTGGGAGTTT-3'
Protein context (NP_001098676.2, residues 1455-1475): SHCHLSNSPR[Ala1465Ser]IEHAYQYGGT

ClinVar aggregate classification (germline): Uncertain significance (1 of 4 stars; one submission).

Conditions:
Dilated cardiomyopathy 1JJ (CMD1JJ). Identifiers: Orphanet 154, MedGen C3808935, MONDO:0014095, OMIM 615235.

Submission:

Labcorp Genetics (formerly Invitae), Labcorp
Classification: Uncertain significance for Dilated cardiomyopathy 1JJ. Last evaluated: 2021-03-15. Review status: criteria provided, single submitter. Criteria: Invitae Variant Classification Sherloc (09022015). Collection method: clinical testing. Allele origin: germline.
Comment: Algorithms developed to predict the effect of missense changes on protein structure and function are either unavailable or do not agree on the potential impact of this missense change (SIFT: "Deleterious"; PolyPhen-2: "Benign"; Align-GVGD: "Class C0"). This variant has not been reported in the literature in individuals with LAMA4-related conditions. This variant is not present in population databases (ExAC no frequency). This sequence change replaces alanine with serine at codon 1458 of the LAMA4 protein (p.Ala1458Ser). The alanine residue is highly conserved and there is a moderate physicochemical difference between alanine and serine. In summary, the available evidence is currently insufficient to determine the role of this variant in disease. Therefore, it has been classified as a Variant of Uncertain Significance.